The following is an entry in ClinVar:

ClinVar aggregate classification (germline): Uncertain significance (1 of 4 stars; one submission).

Conditions:
Werner syndrome (WRN). Identifiers: Orphanet 902, MedGen C0043119, MONDO:0010196, OMIM 277700.

Allele frequency attached by ClinVar (database versions not stated): gnomAD exomes below 0.00001.
gnomAD v4.1: 2 of 1,612,012 alleles (0.00012%); highest among the groups gnomAD compares: East Asian, 0.0045%; no homozygotes.

Submission:

Labcorp Genetics (formerly Invitae), Labcorp
Classification: Uncertain significance for Werner syndrome. Last evaluated: 2022-11-15. Review status: criteria provided, single submitter. Criteria: Invitae Variant Classification Sherloc (09022015). Collection method: clinical testing. Allele origin: germline.
Comment: In summary, the available evidence is currently insufficient to determine the role of this variant in disease. Therefore, it has been classified as a Variant of Uncertain Significance. Algorithms developed to predict the effect of missense changes on protein structure and function are either unavailable or do not agree on the potential impact of this missense change (SIFT: "Not Available"; PolyPhen-2: "Probably Damaging"; Align-GVGD: "Not Available"). ClinVar contains an entry for this variant (Variation ID: 940026). This variant has not been reported in the literature in individuals affected with WRN-related conditions. This variant is present in population databases (no rsID available, gnomAD 0.006%). This sequence change replaces glutamine, which is neutral and polar, with arginine, which is basic and polar, at codon 553 of the WRN protein (p.Gln553Arg).

NM_000553.6(WRN):c.1658A>G (p.Gln553Arg)

Gene: WRN (WRN RecQ like helicase; plus strand). Cytogenetic location: 8p12.
Variant type: single nucleotide variant.
Coding change: c.1658A>G on transcript NM_000553.6 (MANE Select); coding-DNA position 1658, A replaced by G.
Protein change: p.Gln553Arg; replaces glutamine 553 with arginine.
Molecular consequence: missense variant.
Genome position (GRCh38, 1-based): chr8:31,090,470, A>G. VCF-style: chr8-31090470-A-G. GRCh37 (hg19) VCF-style: chr8-30947986-A-G.
Other names: short protein forms Q553R.
Identifiers: ClinVar variation 940026 (VCV000940026.5), dbSNP rs1304090486, ClinGen allele CA370926754.